The following is an entry in ClinVar:

NM_000535.7(PMS2):c.1991T>C (p.Leu664Pro)

Gene: PMS2 (PMS1 homolog 2, mismatch repair system component; minus strand). Cytogenetic location: 7p22.1.
Variant type: single nucleotide variant.
Coding change: c.1991T>C on transcript NM_000535.7 (MANE Select); coding-DNA position 1991, T replaced by C.
Protein change: p.Leu664Pro; replaces leucine 664 with proline.
Molecular consequence: missense variant. On other transcripts: non-coding transcript variant (1).
Genome position (GRCh38, 1-based): chr7:5,986,774, A>G on the plus strand (T>C on the coding strand, the complement: PMS2 is on the minus strand). VCF-style: chr7-5986774-A-G. GRCh37 (hg19) VCF-style: chr7-6026405-A-G.
Other names: c.1586T>C, p.Leu529Pro (NM_001018040.1, NM_001322003.2, NM_001322004.2 and 17 more transcripts); c.1835T>C, p.Leu612Pro (NM_001322006.2, NM_001406870.1); c.1673T>C, p.Leu558Pro (NM_001322007.2, NM_001322008.2, NM_001406876.1 and 2 more transcripts); c.1430T>C, p.Leu477Pro (NM_001322010.2, NM_001406906.1, NM_001406907.1); c.1058T>C, p.Leu353Pro (NM_001322011.2, NM_001322012.2); c.1418T>C, p.Leu473Pro (NM_001322013.2, NM_001406909.1); c.1991T>C, p.Leu664Pro (NM_001322014.2, NM_001406871.1, NM_001406872.1); c.1682T>C, p.Leu561Pro (NM_001322015.2, NM_001406875.1, NM_001406877.1 and 5 more transcripts); and 12 more; short protein forms L509P, L556P, L598P, L672P, L407P, L477P, L506P, L542P.
Identifiers: ClinVar variation 1783980 (VCV001783980.2), dbSNP rs2128720042, ClinGen allele CA366738920.
Genomic context (GRCh38, chr7:5,986,774, plus strand): 5'-AAAATTTTAGATAAAAAGAGAAAAAGTAAAAAATTAAAACTTTACCTTATCTCTTTTCTT[A>G]GTTCATCTTCGGCTGCTTGATTTTCTCCAGGACAAATCTTTGCCCTAAACTTCCTGTAAT-3'
Protein context (NP_000526.2, residues 654-674): PGENQAAEDE[Leu664Pro]RKEISKTMFA

ClinVar aggregate classification (germline): Uncertain significance (1 of 4 stars; one submission).

Conditions:
Hereditary cancer-predisposing syndrome. Also called: Neoplastic Syndromes, Hereditary; Tumor predisposition; Hereditary Cancer Syndrome; Hereditary neoplastic syndrome. Identifiers: Orphanet 140162, MedGen C0027672, MeSH D009386, MONDO:0015356.

Submission:

Ambry Genetics
Classification: Uncertain significance for Hereditary cancer-predisposing syndrome. Last evaluated: 2019-04-22. Review status: criteria provided, single submitter. Criteria: Ambry Variant Classification Scheme 2023. Collection method: clinical testing. Allele origin: germline.
Comment: The p.L664P variant (also known as c.1991T>C), located in coding exon 11 of the PMS2 gene, results from a T to C substitution at nucleotide position 1991. The leucine at codon 664 is replaced by proline, an amino acid with similar properties. This amino acid position is highly conserved in available vertebrate species. In addition, this alteration is predicted to be deleterious by in silico analysis. Since supporting evidence is limited at this time, the clinical significance of this alteration remains unclear.